The following is an entry in ClinVar:

ClinVar aggregate classification (germline): Pathogenic/Likely pathogenic. Review status: criteria provided, multiple submitters, no conflicts (2 of 4 stars). 2 submissions from 2 submitters: Pathogenic (1); Likely pathogenic (1). Last evaluated 2024-06-03.

Conditions:
Congenital lipoid adrenal hyperplasia due to STAR deficency. Also called: ADRENAL HYPERPLASIA I; Congenital Lipoid Adrenal Hyperplasia; Cholesterol monooxygenase (side-chain cleaving) deficiency; Lipoid adrenal hyperplasia. Identifiers: Orphanet 418, Orphanet 90790, MedGen C0342474, MONDO:0008725, OMIM 201710.

gnomAD v4.1: 3 of 1,607,038 alleles (0.00019%); highest among the groups gnomAD compares: Admixed American, 0.0017%; no homozygotes.

Submissions (2):

Fulgent Genetics
Classification: Likely pathogenic for Congenital lipoid adrenal hyperplasia due to STAR deficency. Last evaluated: 2024-06-03. Review status: criteria provided, single submitter. Criteria: ACMG Guidelines, 2015. Collection method: clinical testing. Allele origin: germline.

Labcorp Genetics (formerly Invitae), Labcorp
Classification: Pathogenic. Last evaluated: 2024-01-14. Review status: criteria provided, single submitter. Criteria: Invitae Variant Classification Sherloc (09022015). Collection method: clinical testing. Allele origin: germline.
Comment: This sequence change affects a donor splice site in intron 1 of the STAR gene. It is expected to disrupt RNA splicing. Variants that disrupt the donor or acceptor splice site typically lead to a loss of protein function (PMID: 16199547), and loss-of-function variants in STAR are known to be pathogenic (PMID: 8948562). This variant is not present in population databases (gnomAD no frequency). Disruption of this splice site has been observed in individual(s) with lipoid adrenal hyperplasia (PMID: 14764819, 25383892). ClinVar contains an entry for this variant (Variation ID: 1070762). Algorithms developed to predict the effect of variants on protein structure and function are not available or were not evaluated for this variant. Studies have shown that disruption of this splice site alters mRNA splicing and is expected to lead to the loss of protein expression (PMID: 14764819). For these reasons, this variant has been classified as Pathogenic.

Literature cited by the submitters: PubMed 16199547 (cited by Labcorp Genetics (formerly Invitae), Labcorp); PubMed 8948562 (cited by Labcorp Genetics (formerly Invitae), Labcorp); PubMed 14764819 (cited by Labcorp Genetics (formerly Invitae), Labcorp); PubMed 25383892 (cited by Labcorp Genetics (formerly Invitae), Labcorp).

NM_000349.3(STAR):c.64+1G>A

Gene: STAR (steroidogenic acute regulatory protein; minus strand). Cytogenetic location: 8p11.23.
Variant type: single nucleotide variant.
Coding change: c.64+1G>A on transcript NM_000349.3 (MANE Select); the canonical splice donor site of the intron after coding-DNA position 64, G replaced by A.
Molecular consequence: splice donor variant.
Genome position (GRCh38, 1-based): chr8:38,150,754, C>T on the plus strand (G>A on the coding strand, the complement: STAR is on the minus strand). VCF-style: chr8-38150754-C-T. GRCh37 (hg19) VCF-style: chr8-38008272-C-T.
Identifiers: ClinVar variation 1070762 (VCV001070762.6), dbSNP rs765968701, ClinGen allele CA370705553.